The following is an entry in ClinVar:

NM_001082486.2(ACD):c.202C>G (p.Arg68Gly)

Gene: ACD (ACD shelterin complex subunit and telomerase recruitment factor; minus strand). Cytogenetic location: 16q22.1.
Variant type: single nucleotide variant.
Coding change: c.202C>G on transcript NM_001082486.2 (MANE Select); coding-DNA position 202, C replaced by G.
Protein change: p.Arg68Gly; replaces arginine 68 with glycine.
Molecular consequence: missense variant.
Genome position (GRCh38, 1-based): chr16:67,659,943, G>C on the plus strand (C>G on the coding strand, the complement: ACD is on the minus strand). VCF-style: chr16-67659943-G-C. GRCh37 (hg19) VCF-style: chr16-67693846-G-C.
Other names: c.202C>G, p.Arg68Gly (NM_001410884.1); c.193C>G, p.Arg65Gly (NM_022914.3); short protein forms R65G, R68G.
Identifiers: ClinVar variation 3232671 (VCV003232671.1), dbSNP rs1226276218, ClinGen allele CA396356636.
Genomic context (GRCh38, chr16:67,659,943, plus strand): 5'-AGCCGCGCGGGGCCTCTCACCAGTCCGAGGTGTCCAGGGCCTCCCGCGTCACCAGGCATC[G>C]GACACTGTGGGTCCCGTCAGACACAAGCAGCGTGGCCCCGACGTCGGACGTATCAGGGGC-3'
Protein context (NP_001075955.2, residues 58-78): LLVSDGTHSV[Arg68Gly]CLVTREALDT

ClinVar aggregate classification (germline): Uncertain significance (1 of 4 stars; one submission).

Conditions:
Inborn genetic diseases. Identifiers: MedGen C0950123, MeSH D030342.

Allele frequency attached by ClinVar (database versions not stated): TOPMed below 0.00001; gnomAD 0.00001.

Submission:

Ambry Genetics
Classification: Uncertain significance for Inborn genetic diseases. Last evaluated: 2024-02-06. Review status: criteria provided, single submitter. Criteria: Ambry Variant Classification Scheme 2023. Collection method: clinical testing. Allele origin: germline.
Comment: The p.R154G variant (also known as c.460C>G), located in coding exon 2 of the ACD gene, results from a C to G substitution at nucleotide position 460. The arginine at codon 154 is replaced by glycine, an amino acid with dissimilar properties. This amino acid position is conserved. In addition, the in silico prediction for this alteration is inconclusive. Based on the available evidence, the clinical significance of this alteration remains unclear.